The following is an entry in ClinVar:

ClinVar aggregate classification (germline): Uncertain significance. Review status: criteria provided, multiple submitters, no conflicts (2 of 4 stars). 3 submissions from 3 submitters: Uncertain significance (3). Last evaluated 2024-05-08.

Conditions:
Spastic paraplegia. Identifiers: MedGen C0037772, HP:0001258.

Allele frequency attached by ClinVar (database versions not stated): ExAC 0.00002; TOPMed 0.00005; gnomAD 0.00006; gnomAD exomes 0.00009.
gnomAD v4.1: 141 of 1,613,808 alleles (0.0087%); highest among the groups gnomAD compares: Non-Finnish European, 0.011%; no homozygotes.

Submissions (3):

GeneDx
Classification: Uncertain significance. Last evaluated: 2024-05-08. Review status: criteria provided, single submitter. Criteria: GeneDx Variant Classification Process June 2021. Collection method: clinical testing. Allele origin: germline. Affected: yes.
Comment: Reported in an individual with adult-onset ataxia, however, a second ZFYVE26 variant was not identified; additionally, a variant in another gene associated with autosomal dominant ataxia was observed (PMID: 31692161); In silico analysis supports that this missense variant has a deleterious effect on protein structure/function; In silico analysis is inconclusive as to whether the variant alters gene splicing. In the absence of RNA/functional studies, the actual effect of this sequence change is unknown.; This variant is associated with the following publications: (PMID: 18394578, 31692161)

Athena Diagnostics
Classification: Uncertain significance. Last evaluated: 2022-10-19. Review status: criteria provided, single submitter. Criteria: Athena Diagnostics Criteria. Collection method: clinical testing. Allele origin: unknown.
Comment: Available data are insufficient to determine the clinical significance of the variant at this time. The frequency of this variant in the general population is uninformative in assessment of its pathogenicity. Computational tools predict that this variant is damaging.

Labcorp Genetics (formerly Invitae), Labcorp
Classification: Uncertain significance for Spastic paraplegia. Last evaluated: 2022-09-23. Review status: criteria provided, single submitter. Criteria: Invitae Variant Classification Sherloc (09022015). Collection method: clinical testing. Allele origin: germline.
Comment: This sequence change replaces arginine, which is basic and polar, with cysteine, which is neutral and slightly polar, at codon 1862 of the ZFYVE26 protein (p.Arg1862Cys). This variant is present in population databases (rs772855517, gnomAD 0.02%). This variant has not been reported in the literature in individuals affected with ZFYVE26-related conditions. Algorithms developed to predict the effect of missense changes on protein structure and function are either unavailable or do not agree on the potential impact of this missense change (SIFT: "Deleterious"; PolyPhen-2: "Probably Damaging"; Align-GVGD: "Class C0"). Algorithms developed to predict the effect of sequence changes on RNA splicing suggest that this variant may disrupt the consensus splice site. In summary, the available evidence is currently insufficient to determine the role of this variant in disease. Therefore, it has been classified as a Variant of Uncertain Significance.

Literature cited by the submitters: PubMed 31692161 (cited by Athena Diagnostics).

NM_015346.4(ZFYVE26):c.5584C>T (p.Arg1862Cys)

Gene: ZFYVE26 (zinc finger FYVE-type containing 26; minus strand). Cytogenetic location: 14q24.1.
Variant type: single nucleotide variant.
Coding change: c.5584C>T on transcript NM_015346.4 (MANE Select); coding-DNA position 5584, C replaced by T.
Protein change: p.Arg1862Cys; replaces arginine 1862 with cysteine.
Molecular consequence: missense variant.
Genome position (GRCh38, 1-based): chr14:67,769,631, G>A on the plus strand (C>T on the coding strand, the complement: ZFYVE26 is on the minus strand). VCF-style: chr14-67769631-G-A. GRCh37 (hg19) VCF-style: chr14-68236348-G-A.
Other names: c.5584C>T (NM_015346.3); short protein forms R1862C.
Identifiers: ClinVar variation 2064366 (VCV002064366.3), dbSNP rs772855517, ClinGen allele CA7239465.